The following is an entry in ClinVar:

ClinVar aggregate classification (germline): Likely benign (0 of 4 stars; one submission).

Conditions:
CILP-related disorder. Also called: CILP-related condition.

Allele frequency attached by ClinVar (database versions not stated): gnomAD exomes 0.00013; ExAC 0.00015; ESP Exome Variant Server 0.00015; 1000 Genomes Project 30x 0.00016; 1000 Genomes Project 0.00020; gnomAD 0.00043; TOPMed 0.00046.

Submission:

PreventionGenetics, part of Exact Sciences
Classification: Likely benign for CILP-related condition. Last evaluated: 2019-06-13. Review status: no assertion criteria provided. Collection method: clinical testing. Allele origin: germline.
Comment: This variant is classified as likely benign based on ACMG/AMP sequence variant interpretation guidelines (Richards et al. 2015 PMID: 25741868, with internal and published modifications).

NM_003613.4(CILP):c.207C>T (p.Gly69=)

Gene: CILP (cartilage intermediate layer protein; minus strand). Cytogenetic location: 15q22.31.
Variant type: single nucleotide variant.
Coding change: c.207C>T on transcript NM_003613.4 (MANE Select); coding-DNA position 207, C replaced by T.
Protein change: p.Gly69=; no amino-acid change (glycine 69 retained).
Molecular consequence: synonymous variant.
Genome position (GRCh38, 1-based): chr15:65,206,999, G>A on the plus strand (C>T on the coding strand, the complement: CILP is on the minus strand). VCF-style: chr15-65206999-G-A. GRCh37 (hg19) VCF-style: chr15-65499337-G-A.
Identifiers: ClinVar variation 3033221 (VCV003033221.2), dbSNP rs111705235, ClinGen allele CA7615857.